The following is an entry in ClinVar:

NM_033380.3(COL4A5):c.4454del (p.Gly1485fs)

Gene: COL4A5 (collagen type IV alpha 5 chain; plus strand). Cytogenetic location: Xq22.3.
Variant type: Deletion.
Coding change: c.4454del on transcript NM_033380.3 (MANE Select); coding-DNA position 4454, one base deleted (G; older notation c.4454delG).
Protein change: p.Gly1485fs; shifts the reading frame from glycine 1485.
Molecular consequence: frameshift variant.
Genome position (GRCh38, 1-based): chrX:108,687,620, G deleted; the last of 3 consecutive G bases (chrX:108,687,618-108,687,620); deleting any one gives the same sequence. VCF-style (leftmost placement, unchanged base first): chrX-108687617-AG-A. GRCh37 (hg19) VCF-style: chrX-107930847-AG-A.
Other names: c.4436del, p.Gly1479fs (NM_000495.5); short protein forms G1485fs, G1479fs.
Identifiers: ClinVar variation 2012180 (VCV002012180.4), dbSNP rs34314610, ClinGen allele CA2580100174.

ClinVar aggregate classification (germline): Pathogenic (1 of 4 stars; one submission).

Submission:

Labcorp Genetics (formerly Invitae), Labcorp
Classification: Pathogenic. Last evaluated: 2022-06-29. Review status: criteria provided, single submitter. Criteria: Invitae Variant Classification Sherloc (09022015). Collection method: clinical testing. Allele origin: germline.
Comment: This sequence change creates a premature translational stop signal (p.Gly1479Glufs*69) in the COL4A5 gene. It is expected to result in an absent or disrupted protein product. Loss-of-function variants in COL4A5 are known to be pathogenic (PMID: 9195222, 10752524, 14514738, 24854265, 26809805). This variant is not present in population databases (gnomAD no frequency). For these reasons, this variant has been classified as Pathogenic. This variant has not been reported in the literature in individuals affected with COL4A5-related conditions.

Literature cited by the submitters: PubMed 9195222; PubMed 10752524; PubMed 14514738; PubMed 24854265; PubMed 26809805.